The following is an entry in ClinVar:

NM_015175.3(NBEAL2):c.1907C>T (p.Thr636Ile)

Gene: NBEAL2 (neurobeachin like 2; plus strand). Cytogenetic location: 3p21.31.
Variant type: single nucleotide variant.
Coding change: c.1907C>T on transcript NM_015175.3 (MANE Select); coding-DNA position 1907, C replaced by T.
Protein change: p.Thr636Ile; replaces threonine 636 with isoleucine.
Molecular consequence: missense variant.
Genome position (GRCh38, 1-based): chr3:46,995,722, C>T. VCF-style: chr3-46995722-C-T. GRCh37 (hg19) VCF-style: chr3-47037212-C-T.
Other names: c.1805C>T, p.Thr602Ile (NM_001365116.2); short protein forms T636I, T602I.
Identifiers: ClinVar variation 902468 (VCV000902468.5), dbSNP rs564164512, ClinGen allele CA2360493.

ClinVar aggregate classification (germline): Uncertain significance. Review status: criteria provided, multiple submitters, no conflicts (2 of 4 stars). 2 submissions from 2 submitters: Uncertain significance (2). Last evaluated 2025-07-30.

Conditions:
Gray platelet syndrome (GPS). Also called: BLEEDING DISORDER, PLATELET-TYPE, 4. Identifiers: Orphanet 721, MedGen C0272302, MONDO:0007686, OMIM 139090.

Allele frequency attached by ClinVar (database versions not stated): gnomAD 0.00001 and below 0.00001; gnomAD exomes 0.00002 and 0.00005; TOPMed below 0.00001; ExAC 0.00004.
gnomAD v4.1: 39 of 1,613,280 alleles (0.0024%); highest among the groups gnomAD compares: South Asian, 0.026%; 1 homozygote.

Submissions (2):

Women's Health and Genetics/Laboratory Corporation of America, LabCorp
Classification: Uncertain significance. Last evaluated: 2025-07-30. Review status: criteria provided, single submitter. Criteria: LabCorp Variant Classification Summary - May 2015. Collection method: clinical testing. Allele origin: germline.
Comment: Variant summary: NBEAL2 c.1907C>T (p.Thr636Ile) results in a non-conservative amino acid change in the encoded protein sequence. Algorithms developed to predict the effect of missense changes on protein structure and function are either unavailable or do not agree on the potential impact of this missense change. The variant allele was found at a frequency of 4.8e-05 in 247878 control chromosomes in the gnomAD database, including 1 homozygotes. This frequency is not significantly higher than estimated for a pathogenic variant in NBEAL2 causing Gray Platelet Syndrome, allowing no conclusion about variant significance. To our knowledge, no occurrence of c.1907C>T in individuals affected with Gray Platelet Syndrome and no experimental evidence demonstrating its impact on protein function have been reported. ClinVar contains an entry for this variant (Variation ID: 902468). Based on the evidence outlined above, the variant was classified as uncertain significance.

Illumina Laboratory Services, Illumina
Classification: Uncertain significance for Gray platelet syndrome. Last evaluated: 2018-01-12. Review status: criteria provided, single submitter. Criteria: ICSL Variant Classification Criteria 13 December 2019. Collection method: clinical testing. Allele origin: germline.